The following is an entry in ClinVar:

ClinVar aggregate classification (germline): Uncertain significance. Review status: criteria provided, multiple submitters, no conflicts (2 of 4 stars). 2 submissions from 2 submitters: Uncertain significance (2). Last evaluated 2025-09-02.

Conditions:
Inborn genetic diseases. Identifiers: MedGen C0950123, MeSH D030342.
Hereditary spastic paraplegia 11. Also called: SPASTIC PARAPLEGIA, AUTOSOMAL RECESSIVE, COMPLICATED, WITH THIN CORPUS CALLOSUM; SPASTIC PARAPLEGIA, AUTOSOMAL RECESSIVE, WITH MENTAL IMPAIRMENT AND THIN CORPUS CALLOSUM; Spastic Paraplegia 11; Spastic paraplegia, mental retardation and thin corpus callosum; Nakamura Osame syndrome; Autosomal recessive hereditary spastic paraplegia, mental impairment, and thin corpus callosum. Identifiers: Orphanet 2822, MedGen C1858479, MONDO:0011445, OMIM 604360.

Allele frequency attached by ClinVar (database versions not stated): TOPMed 0.00002; gnomAD 0.00003 and 0.00004.
gnomAD v4.1: 14 of 1,595,940 alleles (0.00088%); highest among the groups gnomAD compares: African/African-American, 0.015%; no homozygotes.

Submissions (2):

Labcorp Genetics (formerly Invitae), Labcorp
Classification: Uncertain significance for Hereditary spastic paraplegia 11. Last evaluated: 2025-09-02. Review status: criteria provided, single submitter. Criteria: Invitae Variant Classification Sherloc (09022015). Collection method: clinical testing. Allele origin: germline.
Comment: This sequence change replaces arginine, which is basic and polar, with tryptophan, which is neutral and slightly polar, at codon 24 of the SPG11 protein (p.Arg24Trp). The frequency data for this variant in the population databases is considered unreliable, as metrics indicate poor data quality at this position in the gnomAD database. This variant has not been reported in the literature in individuals affected with SPG11-related conditions. ClinVar contains an entry for this variant (Variation ID: 1017164). An algorithm developed to predict the effect of missense changes on protein structure and function (PolyPhen-2) suggests that this variant is likely to be tolerated. Algorithms developed to predict the effect of sequence changes on RNA splicing suggest that this variant may create or strengthen a splice site. In summary, the available evidence is currently insufficient to determine the role of this variant in disease. Therefore, it has been classified as a Variant of Uncertain Significance.

Ambry Genetics
Classification: Uncertain significance for Inborn genetic diseases. Last evaluated: 2024-11-25. Review status: criteria provided, single submitter. Criteria: Ambry Variant Classification Scheme 2023. Collection method: clinical testing. Allele origin: germline.

NM_025137.4(SPG11):c.70C>T (p.Arg24Trp)

Gene: SPG11 (SPG11 vesicle trafficking associated, spatacsin; minus strand). Cytogenetic location: 15q21.1.
Variant type: single nucleotide variant.
Coding change: c.70C>T on transcript NM_025137.4 (MANE Select); coding-DNA position 70, C replaced by T.
Protein change: p.Arg24Trp; replaces arginine 24 with tryptophan.
Molecular consequence: missense variant.
Genome position (GRCh38, 1-based): chr15:44,663,578, G>A on the plus strand (C>T on the coding strand, the complement: SPG11 is on the minus strand). VCF-style: chr15-44663578-G-A. GRCh37 (hg19) VCF-style: chr15-44955776-G-A.
Other names: c.70C>T (NM_025137.3); c.70C>T, p.Arg24Trp (NM_001160227.2); short protein forms R24W.
Identifiers: ClinVar variation 1017164 (VCV001017164.6), dbSNP rs745561381, ClinGen allele CA270113951.